The following is an entry in ClinVar:

ClinVar aggregate classification (germline): Uncertain significance (1 of 4 stars; one submission).

Allele frequency attached by ClinVar (database versions not stated): gnomAD 0.00001.
gnomAD v4.1: 1 of 1,613,914 alleles (0.000062%); highest among the groups gnomAD compares: African/African-American, 0.0013%; no homozygotes.

Submission:

Labcorp Genetics (formerly Invitae), Labcorp
Classification: Uncertain significance. Last evaluated: 2021-04-16. Review status: criteria provided, single submitter. Criteria: Invitae Variant Classification Sherloc (09022015). Collection method: clinical testing. Allele origin: germline.
Comment: In summary, the available evidence is currently insufficient to determine the role of this variant in disease. Therefore, it has been classified as a Variant of Uncertain Significance. Algorithms developed to predict the effect of missense changes on protein structure and function (SIFT, PolyPhen-2, Align-GVGD) all suggest that this variant is likely to be tolerated, but these predictions have not been confirmed by published functional studies and their clinical significance is uncertain. This variant has not been reported in the literature in individuals with SPINT2-related conditions. This variant is not present in population databases (ExAC no frequency). This sequence change replaces serine with leucine at codon 196 of the SPINT2 protein (p.Ser196Leu). The serine residue is weakly conserved and there is a large physicochemical difference between serine and leucine.

NM_021102.4(SPINT2):c.587C>T (p.Ser196Leu)

Gene: SPINT2 (serine peptidase inhibitor, Kunitz type 2; plus strand). Cytogenetic location: 19q13.2.
Variant type: single nucleotide variant.
Coding change: c.587C>T on transcript NM_021102.4 (MANE Select); coding-DNA position 587, C replaced by T.
Protein change: p.Ser196Leu; replaces serine 196 with leucine.
Molecular consequence: missense variant.
Genome position (GRCh38, 1-based): chr19:38,290,570, C>T. VCF-style: chr19-38290570-C-T. GRCh37 (hg19) VCF-style: chr19-38781210-C-T.
Other names: c.416C>T, p.Ser139Leu (NM_001166103.2); short protein forms S196L, S139L.
Identifiers: ClinVar variation 1463361 (VCV001463361.8), dbSNP rs1232997970, ClinGen allele CA405634427.